The following is an entry in ClinVar:

ClinVar aggregate classification (germline): Uncertain significance (1 of 4 stars; one submission).

Conditions:
Developmental and epileptic encephalopathy 109 (DEE109). Identifiers: MedGen C5774263, MONDO:0859325, OMIM 620145.

Submission:

Mendelics
Classification: Uncertain significance for Developmental and epileptic encephalopathy 109. Last evaluated: 2026-03-05. Review status: criteria provided, single submitter. Criteria: ACMG Guidelines, 2015. Collection method: clinical testing. Allele origin: unknown.
Comment: The available evidence is insufficient to conclusively determine the role of this variant. Therefore, it is classified as a Variant of Uncertain Significance.

NM_016263.4(FZR1):c.1013T>G (p.Leu338Arg)

Gene: FZR1 (fizzy and cell division cycle 20 related 1; plus strand). Cytogenetic location: 19p13.3.
Variant type: single nucleotide variant.
Coding change: c.1013T>G on transcript NM_016263.4 (MANE Select); coding-DNA position 1013, T replaced by G.
Protein change: p.Leu338Arg; replaces leucine 338 with arginine.
Molecular consequence: missense variant.
Genome position (GRCh38, 1-based): chr19:3,532,421, T>G. VCF-style: chr19-3532421-T-G. GRCh37 (hg19) VCF-style: chr19-3532419-T-G.
Other names: c.746T>G, p.Leu249Arg (NM_001136197.1); c.1013T>G, p.Leu338Arg (NM_001136198.1); short protein forms L249R, L338R.
Identifiers: ClinVar variation 4813516 (VCV004813516.1).